The following is an entry in ClinVar:

ClinVar aggregate classification (germline): Conflicting classifications of pathogenicity. Review status: criteria provided, conflicting classifications (1 of 4 stars). 5 submissions from 5 submitters: Uncertain significance (4); Likely benign (1). Last evaluated 2025-02-10.

Conditions:
Cardiovascular phenotype. Identifiers: MedGen CN230736.
Arrhythmogenic right ventricular dysplasia 9 (ARVD9). Also called: Arrhythmogenic Right Ventricular Dysplasia/Cardiomyopathy 9; ARRHYTHMOGENIC RIGHT VENTRICULAR DYSPLASIA, FAMILIAL, 9. Identifiers: MedGen C1836906, MONDO:0012180, OMIM 609040.
Cardiomyopathy (CMYO). Also called: Cardiomyopathies. Identifiers: Orphanet 167848, MedGen C0878544, MONDO:0004994, HP:0001638. Inheritance: Various modes of inheritance.

Allele frequency attached by ClinVar (database versions not stated): gnomAD exomes below 0.00001 and 0.00001; gnomAD 0.00001; TOPMed 0.00001.
gnomAD v4.1: 15 of 1,613,826 alleles (0.00093%); highest among the groups gnomAD compares: South Asian, 0.0033%; no homozygotes.

Submissions (5):

Ambry Genetics
Classification: Likely benign for Cardiovascular phenotype. Last evaluated: 2025-02-10. Review status: criteria provided, single submitter. Criteria: Ambry Variant Classification Scheme 2023. Collection method: clinical testing. Allele origin: germline.

GeneDx
Classification: Uncertain significance. Last evaluated: 2024-06-24. Review status: criteria provided, single submitter. Criteria: GeneDx Variant Classification Process June 2021. Collection method: clinical testing. Allele origin: germline. Affected: yes.
Comment: Identified in a patient with hypertrophic cardiomyopathy in published literature; however, it is unclear if additional cardiogenetic variants were identified (PMID: 25351510); Not observed at significant frequency in large population cohorts (gnomAD); In silico analysis indicates that this missense variant does not alter protein structure/function; This variant is associated with the following publications: (PMID: 25351510)

Color Diagnostics, LLC DBA Color Health
Classification: Uncertain significance for Cardiomyopathy. Last evaluated: 2023-11-08. Review status: criteria provided, single submitter. Criteria: ACMG Guidelines, 2015. Collection method: clinical testing. Allele origin: germline.
Comment: This missense variant replaces aspartic acid with asparagine at codon 165 of the PKP2 protein. Computational prediction suggests that this variant may not impact protein structure and function (internally defined REVEL score threshold <= 0.5, PMID: 27666373). To our knowledge, functional studies have not been reported for this variant. This variant has not been reported in individuals affected with PKP2-related disorders in the literature. This variant has been identified in 2/282674 chromosomes in the general population by the Genome Aggregation Database (gnomAD). The available evidence is insufficient to determine the role of this variant in disease conclusively. Therefore, this variant is classified as a Variant of Uncertain Significance.

Labcorp Genetics (formerly Invitae), Labcorp
Classification: Uncertain significance for Arrhythmogenic right ventricular dysplasia 9. Last evaluated: 2022-08-25. Review status: criteria provided, single submitter. Criteria: Invitae Variant Classification Sherloc (09022015). Collection method: clinical testing. Allele origin: germline.
Comment: This sequence change replaces aspartic acid, which is acidic and polar, with asparagine, which is neutral and polar, at codon 165 of the PKP2 protein (p.Asp165Asn). This variant is present in population databases (no rsID available, gnomAD 0.004%). This variant has not been reported in the literature in individuals affected with PKP2-related conditions. In summary, the available evidence is currently insufficient to determine the role of this variant in disease. Therefore, it has been classified as a Variant of Uncertain Significance. Algorithms developed to predict the effect of missense changes on protein structure and function (SIFT, PolyPhen-2, Align-GVGD) all suggest that this variant is likely to be tolerated. ClinVar contains an entry for this variant (Variation ID: 308514).

Illumina Laboratory Services, Illumina
Classification: Uncertain significance for Arrhythmogenic right ventricular dysplasia 9. Last evaluated: 2018-01-13. Review status: criteria provided, single submitter. Criteria: ICSL Variant Classification Criteria 13 December 2019. Collection method: clinical testing. Allele origin: germline.

NM_001005242.3(PKP2):c.493G>A (p.Asp165Asn)

Gene: PKP2 (plakophilin 2; minus strand). Cytogenetic location: 12p11.21.
Variant type: single nucleotide variant.
Coding change: c.493G>A on transcript NM_001005242.3 (MANE Select); coding-DNA position 493, G replaced by A.
Protein change: p.Asp165Asn; replaces aspartic acid 165 with asparagine.
Molecular consequence: missense variant.
Genome position (GRCh38, 1-based): chr12:32,878,387, C>T on the plus strand (G>A on the coding strand, the complement: PKP2 is on the minus strand). VCF-style: chr12-32878387-C-T. GRCh37 (hg19) VCF-style: chr12-33031321-C-T.
Other names: c.493G>A, p.Asp165Asn (NM_004572.4); short protein forms D165N.
Identifiers: ClinVar variation 308514 (VCV000308514.19), dbSNP rs886049322, ClinGen allele CA10642030.